The following is an entry in ClinVar:

ClinVar aggregate classification (germline): Uncertain significance (1 of 4 stars; one submission).

Submission:

GeneDx
Classification: Uncertain significance. Last evaluated: 2025-08-05. Review status: criteria provided, single submitter. Criteria: GeneDx Variant Classification Process June 2021. Collection method: clinical testing. Allele origin: germline. Affected: yes.
Comment: Has not been previously published as pathogenic or benign to our knowledge; Not observed at significant frequency in large population cohorts (gnomAD); In silico analysis supports that this missense variant has a deleterious effect on protein structure/function

NM_001365276.2(TNXB):c.5201G>A (p.Gly1734Asp)

Gene: TNXB (tenascin XB; minus strand). Cytogenetic location: 6p21.33.
Variant type: single nucleotide variant.
Coding change: c.5201G>A on transcript NM_001365276.2 (MANE Select); coding-DNA position 5201, G replaced by A.
Protein change: p.Gly1734Asp; replaces glycine 1734 with aspartic acid.
Molecular consequence: missense variant.
Genome position (GRCh38, 1-based): chr6:32,070,204, C>T on the plus strand (G>A on the coding strand, the complement: TNXB is on the minus strand). VCF-style: chr6-32070204-C-T. GRCh37 (hg19) VCF-style: chr6-32037981-C-T.
Other names: c.5942G>A, p.Gly1981Asp (NM_001428335.1); c.5201G>A, p.Gly1734Asp (NM_019105.8); short protein forms G1734D, G1981D.
Identifiers: ClinVar variation 4755960 (VCV004755960.1).